The following is an entry in ClinVar:

NM_014484.5(MOCS3):c.552del (p.Thr185fs)

Gene: MOCS3 (molybdenum cofactor synthesis 3; plus strand). Cytogenetic location: 20q13.13.
Variant type: Deletion.
Coding change: c.552del on transcript NM_014484.5 (MANE Select); coding-DNA position 552, one base deleted (C; older notation c.552delC).
Protein change: p.Thr185fs; shifts the reading frame from threonine 185.
Molecular consequence: frameshift variant.
Genome position (GRCh38, 1-based): chr20:50,959,394, C deleted; the last of 3 consecutive C bases (chr20:50,959,392-50,959,394); deleting any one gives the same sequence. VCF-style (leftmost placement, unchanged base first): chr20-50959391-GC-G. GRCh37 (hg19) VCF-style: chr20-49575928-GC-G.
Other names: short protein forms T185fs.
Identifiers: ClinVar variation 1490621 (VCV001490621.6), dbSNP rs2123159437, ClinGen allele CA2573157151.

ClinVar aggregate classification (germline): Uncertain significance (1 of 4 stars; one submission).

Submission:

Labcorp Genetics (formerly Invitae), Labcorp
Classification: Uncertain significance. Last evaluated: 2021-03-24. Review status: criteria provided, single submitter. Criteria: Invitae Variant Classification Sherloc (09022015). Collection method: clinical testing. Allele origin: germline.
Comment: In summary, the available evidence is currently insufficient to determine the role of this variant in disease. Therefore, it has been classified as a Variant of Uncertain Significance. Experimental studies and prediction algorithms are not available or were not evaluated, and the functional significance of this variant is currently unknown. This variant has not been reported in the literature in individuals with MOCS3-related conditions. This variant is not present in population databases (ExAC no frequency). This sequence change creates a premature translational stop signal (p.Thr185Leufs*52) in the MOCS3 gene. While this is not anticipated to result in nonsense mediated decay, it is expected to disrupt the last 276 amino acid(s) of the MOCS3 protein.